The following is an entry in ClinVar:

ClinVar aggregate classification (germline): Uncertain significance (1 of 4 stars; one submission).

Conditions:
Short-rib thoracic dysplasia 10 with or without polydactyly (SRTD10). Identifiers: Orphanet 474, MedGen C3810175, MONDO:0014284, OMIM 615630.
Retinitis pigmentosa 71 (RP71). Identifiers: Orphanet 791, MedGen C4225342, MONDO:0014618, OMIM 616394.

Allele frequency attached by ClinVar (database versions not stated): ExAC 0.00001; gnomAD 0.00001; gnomAD exomes 0.00001.
gnomAD v4.1: 14 of 1,613,928 alleles (0.00087%); highest among the groups gnomAD compares: South Asian, 0.0044%; no homozygotes.

Submission:

Labcorp Genetics (formerly Invitae), Labcorp
Classification: Uncertain significance for Retinitis pigmentosa 71; Short-rib thoracic dysplasia 10 with or without polydactyly. Last evaluated: 2022-02-20. Review status: criteria provided, single submitter. Criteria: Invitae Variant Classification Sherloc (09022015). Collection method: clinical testing. Allele origin: germline.
Comment: In summary, the available evidence is currently insufficient to determine the role of this variant in disease. Therefore, it has been classified as a Variant of Uncertain Significance. Algorithms developed to predict the effect of missense changes on protein structure and function (SIFT, PolyPhen-2, Align-GVGD) all suggest that this variant is likely to be tolerated. This variant has not been reported in the literature in individuals affected with IFT172-related conditions. This variant is present in population databases (rs765709301, gnomAD 0.003%). This sequence change replaces leucine, which is neutral and non-polar, with valine, which is neutral and non-polar, at codon 1694 of the IFT172 protein (p.Leu1694Val).

NM_015662.3(IFT172):c.5080C>G (p.Leu1694Val)

Genes: IFT172 (intraflagellar transport 172; minus strand), KRTCAP3 (keratinocyte associated protein 3; plus strand). Cytogenetic location: 2p23.3.
Variant type: single nucleotide variant.
Coding change: c.5080C>G on transcript NM_015662.3 (MANE Select); coding-DNA position 5080, C replaced by G.
Protein change: p.Leu1694Val; replaces leucine 1694 with valine.
Molecular consequence: missense variant. On other transcripts: intron variant (1).
Genome position (GRCh38, 1-based): chr2:27,445,094, G>C on the plus strand (C>G on the coding strand, the complement: IFT172 is on the minus strand). VCF-style: chr2-27445094-G-C. GRCh37 (hg19) VCF-style: chr2-27667961-G-C.
Other names: c.5014C>G, p.Leu1672Val (NM_001410739.1); c.*5+1033G>C (NM_001168364.2); short protein forms L1672V, L1694V.
Identifiers: ClinVar variation 2100417 (VCV002100417.4), dbSNP rs765709301, ClinGen allele CA1579360.
Genomic context (GRCh38, chr2:27,445,094, plus strand): 5'-TATTCCAGTTGTCCTTGTTAGCAGCCTTCCCTGGCCGCTTAAATTCAATTTTGTTCCTCA[G>C]AATGGGGTATCCTGTGGAGGAAGAAAAAATGATGAACTGGGGTTTGAGAGAGATTGAGGA-3'
Protein context (NP_056477.1, residues 1684-1704): LPCLITGYPI[Leu1694Val]RNKIEFKRPG